The following is an entry in ClinVar:

NM_001244008.2(KIF1A):c.405C>T (p.Asn135=)

Gene: KIF1A (kinesin family member 1A; minus strand). Cytogenetic location: 2q37.3.
Variant type: single nucleotide variant.
Coding change: c.405C>T on transcript NM_001244008.2 (MANE Select); coding-DNA position 405, C replaced by T.
Protein change: p.Asn135=; no amino-acid change (asparagine 135 retained).
Molecular consequence: synonymous variant.
Genome position (GRCh38, 1-based): chr2:240,787,275, G>A on the plus strand (C>T on the coding strand, the complement: KIF1A is on the minus strand). VCF-style: chr2-240787275-G-A. GRCh37 (hg19) VCF-style: chr2-241726692-G-A.
Other names: c.405C>T, p.Asn135= (NM_001320705.2, NM_001330289.2, NM_001330290.2 and 20 more transcripts); c.405C>T (NM_001244008.1).
Identifiers: ClinVar variation 464248 (VCV000464248.26), dbSNP rs151212200, ClinGen allele CA2208797.

ClinVar aggregate classification (germline): Conflicting classifications of pathogenicity. Review status: criteria provided, conflicting classifications (1 of 4 stars). 7 submissions from 7 submitters: Uncertain significance (1); Benign (3); Likely benign (3). Last evaluated 2026-07-01.

Conditions:
Inborn genetic diseases. Identifiers: MedGen C0950123, MeSH D030342.
KIF1A-related disorder. Also called: KIF1A-related disorders; KIF1A-related condition.
Neuropathy, hereditary sensory, type 2C. Also called: KIF1A-Related HSAN2 (HSAN2C); Hereditary sensory and autonomic neuropathy type IIC. Identifiers: Orphanet 970, MedGen C3280168, MONDO:0013634, OMIM 614213.
Intellectual disability, autosomal dominant 9 (NESCAVS). Also called: KIF1A-Related Neurodevelopmental Disorder; NESCAV SYNDROME. Identifiers: Orphanet 662367, MedGen C5393830, MONDO:0013656, OMIM 614255.
Hereditary spastic paraplegia 30. Identifiers: Orphanet 101010, MedGen C5235139, MONDO:0012476.

Allele frequency attached by ClinVar (database versions not stated): ESP Exome Variant Server 0.00008; gnomAD exomes 0.00022 and 0.00072; gnomAD 0.00036 and 0.00038; TOPMed 0.00044; ExAC 0.00075; 1000 Genomes Project 0.00080; 1000 Genomes Project 30x 0.00094.
gnomAD v4.1: 381 of 1,613,380 alleles (0.024%); highest among the groups gnomAD compares: East Asian, 0.53%; 1 homozygote.

Submissions (7):

CeGaT Center for Human Genetics Tuebingen
Classification: Likely benign. Last evaluated: 2026-07-01. Review status: criteria provided, single submitter. Criteria: CeGaT Center For Human Genetics Tuebingen Variant Classification Criteria Version 2. Collection method: clinical testing. Allele origin: germline. Affected: yes. Observed: 2 variant alleles.
Comment: KIF1A: BP4, BP7

Labcorp Genetics (formerly Invitae), Labcorp
Classification: Benign for Hereditary spastic paraplegia 30; Neuropathy, hereditary sensory, type 2C; Intellectual disability, autosomal dominant 9. Last evaluated: 2026-01-26. Review status: criteria provided, single submitter. Criteria: Invitae Variant Classification Sherloc (09022015). Collection method: clinical testing. Allele origin: germline.

PreventionGenetics, part of Exact Sciences
Classification: Benign for KIF1A-related condition. Last evaluated: 2025-12-15. Review status: criteria provided, single submitter. Criteria: ACMG Guidelines, 2015. Collection method: clinical testing. Allele origin: germline.
Comment: This variant is classified as benign based on ACMG/AMP sequence variant interpretation guidelines (Richards et al. 2015 PMID: 25741868, with internal and published modifications).

Blueprint Genetics
Classification: Likely benign. Last evaluated: 2024-11-26. Review status: criteria provided, single submitter. Criteria: ACMG Guidelines, 2015. Collection method: clinical testing. Allele origin: germline.

ARUP Laboratories, Molecular Genetics and Genomics, ARUP Laboratories
Classification: Benign. Last evaluated: 2023-12-19. Review status: criteria provided, single submitter. Criteria: ARUP Molecular Germline Variant Investigation Process 2024. Collection method: clinical testing. Allele origin: germline.

Ambry Genetics
Classification: Likely benign for Inborn genetic diseases. Last evaluated: 2018-12-03. Review status: criteria provided, single submitter. Criteria: Ambry Variant Classification Scheme 2023. Collection method: clinical testing. Allele origin: germline.

Illumina Laboratory Services, Illumina
Classification: Uncertain significance for Spastic paraplegia 30A, autosomal dominant. Last evaluated: 2018-01-12. Review status: criteria provided, single submitter. Criteria: ICSL Variant Classification Criteria 13 December 2019. Collection method: clinical testing. Allele origin: germline.